The following is an entry in ClinVar:

ClinVar aggregate classification (germline): Conflicting classifications of pathogenicity. Review status: criteria provided, conflicting classifications (1 of 4 stars). 3 submissions from 3 submitters: Likely pathogenic (1); Uncertain significance (1). 1 of the submissions does not count toward it. Last evaluated 2025-06-12.

Conditions:
Intellectual developmental disorder, autosomal dominant 6, with or without seizures. Also called: Intellectual disability, autosomal dominant 6; GRIN2B-related developmental delay, intellectual disability and autism spectrum disorder. Identifiers: Orphanet 589547, MedGen C3151411, MONDO:0013509, OMIM 613970.
Developmental and epileptic encephalopathy, 27 (DEE27). Also called: Epileptic encephalopathy, early infantile, 27; GRIN2B-Related Neurodevelopmental Disorder. Identifiers: Orphanet 3451, MedGen C4015316, MONDO:0014505, OMIM 616139.

Submissions (3):

3billion
Classification: Likely pathogenic for Developmental and epileptic encephalopathy, 27. Last evaluated: 2025-06-12. Review status: criteria provided, single submitter. Criteria: ACMG Guidelines, 2015. Collection method: clinical testing. Allele origin: germline. Affected: yes.
Comment: The variant is not observed in the gnomAD v4.1.0 dataset. Predicted Consequence/Location: Missense variant Damaging effect on gene or gene product predicted by in silico programs is uncertain [3Cnet: 0.36 (damaging >0.75, benign <0.1)]. The same nucleotide change resulting in the same amino acid change has been previously reported to be associated with GRIN2B-related disorder (ClinVar ID: VCV001483642 /PMID: 38380699). The variant has been previously reported as de novo in a similarly affected individual (PMID: 38380699). Different missense changes at the same codon (p.Ser555Ile, p.Ser555Thr) have been reported as pathogenic/likely pathogenic with strong evidence (ClinVar ID: VCV000916602, VCV002945847 /PMID: 28377535). Therefore, this variant is classified as Likely pathogenic according to the recommendation of ACMG/AMP guideline.

Labcorp Genetics (formerly Invitae), Labcorp
Classification: Uncertain significance for Developmental and epileptic encephalopathy, 27; Intellectual developmental disorder, autosomal dominant 6, with or without seizures. Last evaluated: 2021-05-31. Review status: criteria provided, single submitter. Criteria: Invitae Variant Classification Sherloc (09022015). Collection method: clinical testing. Allele origin: germline.
Comment: This variant has not been reported in the literature in individuals with GRIN2B-related conditions. This sequence change replaces serine with asparagine at codon 555 of the GRIN2B protein (p.Ser555Asn). The serine residue is moderately conserved and there is a small physicochemical difference between serine and asparagine. This variant is not present in population databases (ExAC no frequency). Advanced modeling of protein sequence and biophysical properties (such as structural, functional, and spatial information, amino acid conservation, physicochemical variation, residue mobility, and thermodynamic stability) performed at Invitae indicates that this missense variant is expected to disrupt GRIN2B protein function. In summary, the available evidence is currently insufficient to determine the role of this variant in disease. Therefore, it has been classified as a Variant of Uncertain Significance.

Fondazione Telethon, Telethon Institute of Genetics and Medicine
Classification: Pathogenic for Developmental and epileptic encephalopathy, 27. Review status: no assertion criteria provided. Collection method: clinical testing. Allele origin: de novo. Inheritance: Autosomal dominant inheritance. Affected: yes. Not counted in ClinVar's aggregate classification.

Literature cited by the submitters: PubMed 28377535 (cited by 3billion); PubMed 38380699 (cited by 3billion); PubMed 29851452 (cited by Fondazione Telethon, Telethon Institute of Genetics and Medicine).

NM_000834.5(GRIN2B):c.1664G>A (p.Ser555Asn)

Gene: GRIN2B (glutamate ionotropic receptor NMDA type subunit 2B; minus strand). Cytogenetic location: 12p13.1.
Variant type: single nucleotide variant.
Coding change: c.1664G>A on transcript NM_000834.5 (MANE Select); coding-DNA position 1664, G replaced by A.
Protein change: p.Ser555Asn; replaces serine 555 with asparagine.
Molecular consequence: missense variant.
Genome position (GRCh38, 1-based): chr12:13,611,841, C>T on the plus strand (G>A on the coding strand, the complement: GRIN2B is on the minus strand). VCF-style: chr12-13611841-C-T. GRCh37 (hg19) VCF-style: chr12-13764775-C-T.
Other names: short protein forms S555N.
Identifiers: ClinVar variation 1483642 (VCV001483642.10), dbSNP rs1949369220, ClinGen allele CA384051631.